The following is an entry in ClinVar:

ClinVar aggregate classification (germline): Likely pathogenic (1 of 4 stars; one submission).

Conditions:
Mitochondrial complex II deficiency, nuclear type 1. Also called: SUCCINATE CoQ REDUCTASE DEFICIENCY. Identifiers: Orphanet 3208, MedGen C5700310, MONDO:0100294, OMIM 252011.

Submission:

Victorian Clinical Genetics Services, Murdoch Childrens Research Institute
Classification: Likely pathogenic for Mitochondrial complex II deficiency, nuclear type 1. Last evaluated: 2024-10-09. Review status: criteria provided, single submitter. Criteria: ACMG Guidelines, 2015. Collection method: clinical testing. Allele origin: germline. Inheritance: Autosomal recessive inheritance.
Comment: Based on the classification scheme VCGS_Germline_v1.3.4, this variant is classified as Likely pathogenic. Following criteria are met: 0102 - Loss of function is a known mechanism of disease in this gene and is associated with SDHA-related disorders (MIM#613642, MIM#252011, MIM#619259, MIM#614165). (I) 0108 - This gene is associated with both recessive and dominant disease (OMIM). (I) 0112 - A condition associated with this gene has incomplete penetrance. Variants in this gene are known to have reduced penetrance for paragangliomas 5 (PMID: 29978154). (I) 0200 - Variant is predicted to result in a missense amino acid change from threonine to isoleucine. (I) 0251 - This variant is heterozygous. (I) 0301 - Variant is absent from gnomAD (both v2 and v3). (SP) 0502 - Missense variant with conflicting in silico predictions and high conservation. (I) 0600 - Variant is located in the annotated FAD_binding_2 domain (DECIPHER). (I) 0705 - No comparable missense variants have previous evidence for pathogenicity. (I) 0710 - Another missense variant comparable to the one identified in this case has inconclusive previous evidence for pathogenicity. p.(Thr415Ala) has been classified as VUS in ClinVar. (I) 0807 - This variant has no previous evidence of pathogenicity. (I) 0905 - No published segregation evidence has been identified for this variant. (I) 1007 - No published functional evidence has been identified for this variant. (I) 1201 - Heterozygous variant detected in trans with a second likely pathogenic heterozygous variant (NM_004168.3(SDHA):c.1781G>A; p.(Arg594Lys)) in a recessive disease. (I) Legend: (SP) - Supporting pathogenic, (I) - Information, (SB) - Supporting benign

Literature cited by the submitters: PubMed 29978154.

NM_004168.4(SDHA):c.1244C>T (p.Thr415Ile)

Gene: SDHA (succinate dehydrogenase complex flavoprotein subunit A; plus strand). Cytogenetic location: 5p15.33.
Variant type: single nucleotide variant.
Coding change: c.1244C>T on transcript NM_004168.4 (MANE Select); coding-DNA position 1244, C replaced by T.
Protein change: p.Thr415Ile; replaces threonine 415 with isoleucine.
Molecular consequence: missense variant.
Genome position (GRCh38, 1-based): chr5:235,323, C>T. VCF-style: chr5-235323-C-T. GRCh37 (hg19) VCF-style: chr5-235438-C-T.
Other names: c.1100C>T, p.Thr367Ile (NM_001294332.2); c.1244C>T, p.Thr415Ile (NM_001330758.2); short protein forms T367I, T415I.
Identifiers: ClinVar variation 3377096 (VCV003377096.1).